The following is an entry in ClinVar:

ClinVar aggregate classification (germline): Pathogenic. Review status: criteria provided, multiple submitters, no conflicts (2 of 4 stars). 5 submissions from 5 submitters: Pathogenic (4). 1 of the submissions does not count toward it. Last evaluated 2024-06-24.

Conditions:
Galactosylceramide beta-galactosidase deficiency. Also called: GALACTOCEREBROSIDASE DEFICIENCY; GALC DEFICIENCY; GLOBOID CELL LEUKOENCEPHALOPATHY; Leukodystrophy, Globoid Cell; Krabbe Disease. Identifiers: Orphanet 487, MedGen C0023521, MONDO:0009499, OMIM 245200.

Allele frequency attached by ClinVar (database versions not stated): gnomAD exomes below 0.00001.

Submissions (5):

Natera, Inc.
Classification: Pathogenic for Galactosylceramide beta-galactosidase deficiency. Last evaluated: 2024-06-24. Review status: criteria provided, single submitter. Criteria: Natera Variant Classification Schema (03/2026). Collection method: clinical testing. Allele origin: germline.
Comment: The c.433dup variant in GALC is a frameshift variant predicted to shift the reading frame beginning at codon 145 and leads to a stop codon 43 codons downstream. This variant is expected to result in nonsense mediated decay, truncation, or a dysfunctional protein product. This variant is rare in the general population with a frequency below the threshold expected for the associated phenotype(s). This variant has been observed in one or more individuals affected with the associated recessive disease, as either homozygous or compound heterozygous with a second variant (PMID: 22115770). Given the available evidence, this variant is classified as Pathogenic.

Labcorp Genetics (formerly Invitae), Labcorp
Classification: Pathogenic for Galactosylceramide beta-galactosidase deficiency. Last evaluated: 2024-02-19. Review status: criteria provided, single submitter. Criteria: Invitae Variant Classification Sherloc (09022015). Collection method: clinical testing. Allele origin: germline.
Comment: This sequence change creates a premature translational stop signal (p.Thr145Asnfs*43) in the GALC gene. It is expected to result in an absent or disrupted protein product. Loss-of-function variants in GALC are known to be pathogenic (PMID: 7437911, 9272171, 16607461). This variant is not present in population databases (gnomAD no frequency). This premature translational stop signal has been observed in individual(s) with Krabbe disease (PMID: 22115770). In at least one individual the data is consistent with being in trans (on the opposite chromosome) from a pathogenic variant. This variant is also known as c.384_385insA. ClinVar contains an entry for this variant (Variation ID: 553285). For these reasons, this variant has been classified as Pathogenic.

Revvity Omics, Revvity
Classification: Pathogenic. Last evaluated: 2019-10-21. Review status: criteria provided, single submitter. Criteria: ACMG Guidelines, 2015. Collection method: clinical testing. Allele origin: germline.

Women's Health and Genetics/Laboratory Corporation of America, LabCorp
Classification: Pathogenic for Galactosylceramide beta-galactosidase deficiency. Last evaluated: 2018-04-27. Review status: criteria provided, single submitter. Criteria: LabCorp Variant Classification Summary - May 2015. Collection method: clinical testing. Allele origin: germline.
Comment: Variant summary: GALC c.433dupA (p.Thr145AsnfsX43) results in a premature termination codon, predicted to cause a truncation of the encoded protein or absence of the protein due to nonsense mediated decay, which are commonly known mechanisms for disease. Truncations downstream of this position have been classified as pathogenic by our laboratory (e.g. c.628A>T (p.Arg210X), c.1814dupA (p.Tyr605X)). The variant was absent in 245842 control chromosomes (gnomAD). The c.433dupA has been reported in the literature in an individual affected with Krabbe Disease (Puckett 2012). This publication also reported evidence evaluating an impact on protein function, demonstrating a severely decreased galactocerebrosidase activity measured in leukocytes (<10% of normal activity). No clinical diagnostic laboratories have submitted clinical-significance assessments for this variant to ClinVar after 2014. Based on the evidence outlined above, the variant was classified as pathogenic.

Counsyl
Classification: Likely pathogenic for Galactosylceramide beta-galactosidase deficiency. Last evaluated: 2017-08-23. Review status: no assertion criteria provided. Collection method: clinical testing. Allele origin: unknown. Not counted in ClinVar's aggregate classification.

Literature cited by the submitters: PubMed 22115770 (cited by 4 submitters); PubMed 7437911 (cited by Labcorp Genetics (formerly Invitae), Labcorp); PubMed 9272171 (cited by Labcorp Genetics (formerly Invitae), Labcorp); PubMed 16607461 (cited by Labcorp Genetics (formerly Invitae), Labcorp).

NM_000153.4(GALC):c.433dup (p.Thr145fs)

Gene: GALC (galactosylceramidase; minus strand). Cytogenetic location: 14q31.3.
Variant type: Duplication.
Coding change: c.433dup on transcript NM_000153.4 (MANE Select); coding-DNA position 433, one base duplicated (A; older notation c.433dupA).
Protein change: p.Thr145fs; shifts the reading frame from threonine 145.
Molecular consequence: frameshift variant.
Genome position (GRCh38, 1-based): chr14:87,986,498, T duplicated on the plus strand (A on the coding strand, the reverse complement: GALC is on the minus strand). VCF-style (leftmost placement, unchanged base first): chr14-87986497-G-GT. GRCh37 (hg19) VCF-style: chr14-88452841-G-GT.
Other names: c.364dup, p.Thr122fs (NM_001201401.2); c.355dup, p.Thr119fs (NM_001201402.2); c.433dupA (NM_000153.3); short protein forms T145fs, T119fs, T122fs.
Identifiers: ClinVar variation 553285 (VCV000553285.19), dbSNP rs1555383679, ClinGen allele CA658823916.
Genomic context (GRCh38, chr14:87,986,497, plus strand): 5'-TAAAAGTTAAAGGAAAAGAGACTGAAGAAACATTGCAAACTTCATTTCTTACCAATGAGT[G>GT]TAATATTGGGATTCCTCTTCTTAGCTTCTTTCATCAACCACCACTCGTATCCTCGGAAAT-3'